The following is an entry in ClinVar:

NM_001079802.2(FKTN):c.1261_1286delinsACC (p.Ala421fs)

Gene: FKTN (fukutin; plus strand). Cytogenetic location: 9q31.2.
Variant type: Indel.
Coding change: c.1261_1286delinsACC on transcript NM_001079802.2 (MANE Select); coding-DNA positions 1261 to 1286, GCCAACTATGGTAAGACCTGGAAGAT replaced by ACC.
Protein change: p.Ala421fs; shifts the reading frame from alanine 421.
Molecular consequence: frameshift variant. On other transcripts: 3 prime UTR variant (1), non-coding transcript variant (2), splice donor variant (1).
Genome position (GRCh38, 1-based): chr9:105,635,139-105,635,164, GCCAACTATGGTAAGACCTGGAAGAT replaced by ACC. VCF-style: chr9-105635139-GCCAACTATGGTAAGACCTGGAAGAT-ACC. GRCh37 (hg19) VCF-style: chr9-108397420-GCCAACTATGGTAAGACCTGGAAGAT-ACC.
Other names: c.1261_1286del26insACC (NM_001079802.1); c.1261_1286delinsACC, p.Ala421fs (NM_001351496.2, NM_006731.2); c.1192_1217delinsACC, p.Ala398fs (NM_001351497.2); c.*53_*78delinsACC (NM_001351498.2); c.865_890delinsACC, p.Ala289fs (NM_001351499.2, NM_001351500.2, NM_001351501.2 and 1 more transcripts); c.1261_1270+16delinsACC (NM_001198963.2); short protein forms A289fs, A398fs, A421fs.
Identifiers: ClinVar variation 654926 (VCV000654926.12), dbSNP rs1588315166, ClinGen allele CA915947082.

ClinVar aggregate classification (germline): Conflicting classifications of pathogenicity. Review status: criteria provided, conflicting classifications (1 of 4 stars). 6 submissions from 6 submitters: Pathogenic (1); Likely pathogenic (4); Uncertain significance (1). Last evaluated 2026-06-16.

Conditions:
Myopathy caused by variation in FKTN. Identifiers: MedGen CN305638, MONDO:0700067.
Cardiovascular phenotype. Identifiers: MedGen CN230736.
Muscular dystrophy-dystroglycanopathy (congenital with brain and eye anomalies), type A, 4 (MDDGA4). Also called: Walker-Warburg Syndrome, Fktn-Related; Muscular dystrophy, congenital progressive, with mental retardation; Muscular dystrophy, congenital, with central nervous system involvement; Cerebromuscular dystrophy, Fukuyama type; Congenital muscular dystrophy-dystroglycanopathy with brain and eye anomalies, type A4; WALKER-WARBURG SYNDROME OR MUSCLE-EYE-BRAIN DISEASE, FKTN-RELATED. Identifiers: Orphanet 272, Orphanet 588, Orphanet 899, MedGen C0410174, MONDO:0009678, OMIM 253800.
Muscular dystrophy-dystroglycanopathy (congenital without impaired intellectual development), type B, 4. Also called: Muscular dystrophy-dystroglycanopathy (congenital without intellectual disability), type B4; MUSCULAR DYSTROPHY, CONGENITAL, FKTN-RELATED. Identifiers: MedGen C2751052, MONDO:0013156, OMIM 613152.
Dilated cardiomyopathy 1X (CMD1X). Also called: FKTN-Related Dilated Cardiomyopathy; CARDIOMYOPATHY, DILATED, WITH MILD OR NO PROXIMAL MUSCLE WEAKNESS. Identifiers: Orphanet 154, MedGen C1969024, MONDO:0012704, OMIM 611615.
Autosomal recessive limb-girdle muscular dystrophy type 2M. Also called: MUSCULAR DYSTROPHY-DYSTROGLYCANOPATHY (LIMB-GIRDLE), TYPE C, 4; MUSCULAR DYSTROPHY, LIMB-GIRDLE, TYPE 2M. Identifiers: Orphanet 206554, MedGen C1969040, MONDO:0012699, OMIM 611588.
FKTN-related disorder. Also called: FKTN-related disorders; FKTN-related condition.
Walker-Warburg congenital muscular dystrophy. Also called: Muscular dystrophy-dystroglycanopathy, type A; Walker-Warburg syndrome. Identifiers: Orphanet 899, MedGen C0265221, MONDO:0000171.

Submissions (6):

Myriad Genetics, Inc.
Classification: Uncertain significance for Myopathy caused by variation in FKTN. Last evaluated: 2026-06-16. Review status: criteria provided, single submitter. Criteria: Myriad Autosomal Dominant, Autosomal Recessive and X-Linked Classification Criteria (2023). Collection method: clinical testing. Allele origin: unknown.
Comment: NM_001079802.1(FKTN):c.1261_1286del26ins3(A421Tfs*25) is a frameshift variant classified as a variant of uncertain significance in the context of FKTN-related disorders. A421Tfs*25 has not been observed in cases with relevant disease. Relevant functional assessments of this variant are not available in the literature. A421Tfs*25 has not been observed in referenced population frequency databases. In summary, there is insufficient evidence to classify NM_001079802.1(FKTN):c.1261_1286del26ins3(A421Tfs*25) as pathogenic or benign. Please note: this variant was assessed in the context of healthy population screening.

Labcorp Genetics (formerly Invitae), Labcorp
Classification: Pathogenic for Walker-Warburg congenital muscular dystrophy. Last evaluated: 2025-12-08. Review status: criteria provided, single submitter. Criteria: Invitae Variant Classification Sherloc (09022015). Collection method: clinical testing. Allele origin: germline.
Comment: This sequence change creates a premature translational stop signal (p.Ala421Thrfs*25) in the FKTN gene. While this is not anticipated to result in nonsense mediated decay, it is expected to disrupt the last 41 amino acid(s) of the FKTN protein. Information on the frequency of this variant in the gnomAD database is not available, as this variant may be reported differently in the database. This variant has not been reported in the literature in individuals affected with FKTN-related conditions. This variant disrupts a region of the FKTN protein in which other variant(s) (p.Lys425*) have been determined to be pathogenic (internal data). This suggests that this is a clinically significant region of the protein, and that variants that disrupt it are likely to be disease-causing. For these reasons, this variant has been classified as Pathogenic.

Fulgent Genetics
Classification: Likely pathogenic for Muscular dystrophy-dystroglycanopathy (congenital with brain and eye anomalies), type A, 4; Autosomal recessive limb-girdle muscular dystrophy type 2M; Dilated cardiomyopathy 1X; Muscular dystrophy-dystroglycanopathy (congenital without impaired intellectual development), type B, 4. Last evaluated: 2024-06-12. Review status: criteria provided, single submitter. Criteria: ACMG Guidelines, 2015. Collection method: clinical testing. Allele origin: germline.

Baylor Genetics
Classification: Likely pathogenic for Dilated cardiomyopathy 1X. Last evaluated: 2024-01-23. Review status: criteria provided, single submitter. Criteria: ACMG Guidelines, 2015. Collection method: clinical testing. Allele origin: unknown.

PreventionGenetics, part of Exact Sciences
Classification: Likely pathogenic for FKTN-related condition. Last evaluated: 2023-06-27. Review status: criteria provided, single submitter. Criteria: ACMG Guidelines, 2015. Collection method: clinical testing. Allele origin: germline.
Comment: The FKTN c.1261_1286delinsACC variant is predicted to result in a frameshift and premature protein termination (p.Ala421Thrfs*25). To our knowledge, this variant has not been reported in the literature or in a large population database, indicating this variant is rare. Frameshift variants in FKTN are expected to be pathogenic. This variant is interpreted as likely pathogenic.

Ambry Genetics
Classification: Likely pathogenic for Cardiovascular phenotype. Last evaluated: 2019-12-06. Review status: criteria provided, single submitter. Criteria: Ambry Variant Classification Scheme 2023. Collection method: clinical testing. Allele origin: germline.
Comment: The c.1261_1286del26insACC variant, located in coding exon 9 of the FKTN gene, results from the deletion of 26 nucleotides and insertion of 3 nucleotides causing a translational frameshift with a predicted alternate stop codon (p.A421Tfs*25). This amino acid position is highly conserved in available vertebrate species. Frameshifts are typically deleterious in nature; however, this frameshift occurs at the 3' terminus of FKTN, is not expected to trigger nonsense-mediated mRNA decay, and impacts only the last 41 amino acids of the protein. While the exact functional impact of these altered amino acids is unknown at this time, a likely pathogenic truncating alteration, p.D455Mfs*12, located downstream of this variant was detected in trans with the FKTN p.F390IFS*14 mutation in an individual with limb girdle muscular dystrophy (Godfrey C et al. Ann. Neurol., 2006 Nov;60:603-10). In addition, a missense alteration, p.N442S, was detected in an individual with limb girdle muscular dystrophy who also carried FKTN p.S299R (Smogavec M et al. Neurol Genet, 2017 Aug;3:e167). Together, these data suggest the C-terminus of FKTN is critical, and therefore, this variant is likely to be pathogenic.

Literature cited by the submitters: PubMed 17044012 (cited by Ambry Genetics); PubMed 26633542 (cited by Ambry Genetics); PubMed 28785732 (cited by Ambry Genetics); PubMed 28798025 (cited by Ambry Genetics).